The following is an entry in ClinVar:

NM_004006.3(DMD):c.6788G>A (p.Arg2263His)

Gene: DMD (dystrophin; minus strand). Cytogenetic location: Xp21.1.
Variant type: single nucleotide variant.
Coding change: c.6788G>A on transcript NM_004006.3 (MANE Select); coding-DNA position 6788, G replaced by A.
Protein change: p.Arg2263His; replaces arginine 2263 with histidine.
Molecular consequence: missense variant. On other transcripts: 5 prime UTR variant (5).
Genome position (GRCh38, 1-based): chrX:31,929,720, C>T on the plus strand (G>A on the coding strand, the complement: DMD is on the minus strand). VCF-style: chrX-31929720-C-T. GRCh37 (hg19) VCF-style: chrX-31947837-C-T.
Other names: c.6764G>A, p.Arg2255His (NM_000109.4); c.6776G>A, p.Arg2259His (NM_004009.3); c.6419G>A, p.Arg2140His (NM_004010.3); c.2765G>A, p.Arg922His (NM_004011.4); c.2756G>A, p.Arg919His (NM_004012.4); c.-593G>A (NM_004013.3, NM_004020.4, NM_004021.3 and 2 more transcripts); short protein forms R2255H, R2263H, R922H, R2259H, R2140H, R919H.
Identifiers: ClinVar variation 680061 (VCV000680061.11), dbSNP rs780221745, ClinGen allele CA10378401.

ClinVar aggregate classification (germline): Likely benign. Review status: criteria provided, multiple submitters, no conflicts (2 of 4 stars). 5 submissions from 5 submitters: Likely benign (4). 1 of the submissions does not count toward it. Last evaluated 2026-08-01.

Conditions:
Cardiomyopathy (CMYO). Also called: Cardiomyopathies. Identifiers: Orphanet 167848, MedGen C0878544, MONDO:0004994, HP:0001638. Inheritance: Various modes of inheritance.
Becker muscular dystrophy (BMD). Also called: MUSCULAR DYSTROPHY, PSEUDOHYPERTROPHIC PROGRESSIVE, BECKER TYPE; Becker Muscular Dystrophy (BMD). Identifiers: Orphanet 98895, MedGen C0917713, MONDO:0010311, OMIM 300376.
Duchenne muscular dystrophy (DMD). Also called: Duchenne Muscular Dystrophy (DMD); MUSCULAR DYSTROPHY, PSEUDOHYPERTROPHIC PROGRESSIVE, DUCHENNE TYPE. Identifiers: Orphanet 98896, MedGen C0013264, MONDO:0010679, OMIM 310200.
Dystrophin deficiency.
Cardiovascular phenotype. Identifiers: MedGen CN230736.
Dilated cardiomyopathy 3B (CMD3B). Also called: CMD3B: DMD-Related Dilated Cardiomyopathy; CARDIOMYOPATHY, DILATED, X-LINKED; DMD-Associated Dilated Cardiomyopathy. Identifiers: Orphanet 154, MedGen C3668940, MONDO:0010542, OMIM 302045.

Allele frequency attached by ClinVar (database versions not stated): ExAC 0.00002; gnomAD 0.00002; TOPMed 0.00006.
gnomAD v4.1: 10 of 1,209,305 alleles (0.00083%); highest among the groups gnomAD compares: African/African-American, 0.007%; no homozygotes.

Submissions (5):

CeGaT Center for Human Genetics Tuebingen
Classification: Likely benign. Last evaluated: 2026-08-01. Review status: criteria provided, single submitter. Criteria: CeGaT Center For Human Genetics Tuebingen Variant Classification Criteria Version 2. Collection method: clinical testing. Allele origin: germline. Affected: yes. Observed: 1 variant allele.
Comment: DMD: BP4

Labcorp Genetics (formerly Invitae), Labcorp
Classification: Likely benign for Duchenne muscular dystrophy. Last evaluated: 2026-01-14. Review status: criteria provided, single submitter. Criteria: Invitae Variant Classification Sherloc (09022015). Collection method: clinical testing. Allele origin: germline.

Ambry Genetics
Classification: Likely benign for Cardiovascular phenotype. Last evaluated: 2023-11-01. Review status: criteria provided, single submitter. Criteria: Ambry Variant Classification Scheme 2023. Collection method: clinical testing. Allele origin: germline.

GeneDx
Classification: Likely benign. Last evaluated: 2018-04-23. Review status: criteria provided, single submitter. Criteria: GeneDx Variant Classification (06012015). Collection method: clinical testing. Allele origin: germline. Affected: yes.
Comment: This variant is considered likely benign or benign based on one or more of the following criteria: it is a conservative change, it occurs at a poorly conserved position in the protein, it is predicted to be benign by multiple in silico algorithms, and/or has population frequency not consistent with disease.

Natera, Inc.
Classification: Likely benign for Becker muscular dystrophy; Cardiomyopathy; Duchenne muscular dystrophy; Dystrophin deficiency. Last evaluated: 2020-06-30. Review status: no assertion criteria provided. Collection method: clinical testing. Allele origin: germline. Not counted in ClinVar's aggregate classification.